The following is an entry in ClinVar:

ClinVar aggregate classification (germline): Uncertain significance (1 of 4 stars; one submission).

Conditions:
Hajdu-Cheney syndrome (HJCYS). Also called: ACROOSTEOLYSIS WITH OSTEOPOROSIS AND CHANGES IN SKULL AND MANDIBLE; SERPENTINE FIBULA-POLYCYSTIC KIDNEY SYNDROME; Acroosteolysis dominant type. Identifiers: Orphanet 955, MedGen C0917715, MONDO:0007057, OMIM 102500.

Submission:

Labcorp Genetics (formerly Invitae), Labcorp
Classification: Uncertain significance for Hajdu-Cheney syndrome. Last evaluated: 2023-03-30. Review status: criteria provided, single submitter. Criteria: Invitae Variant Classification Sherloc (09022015). Collection method: clinical testing. Allele origin: germline.
Comment: In summary, the available evidence is currently insufficient to determine the role of this variant in disease. Therefore, it has been classified as a Variant of Uncertain Significance. Advanced modeling of protein sequence and biophysical properties (such as structural, functional, and spatial information, amino acid conservation, physicochemical variation, residue mobility, and thermodynamic stability) performed at Invitae indicates that this missense variant is expected to disrupt NOTCH2 protein function. This variant has not been reported in the literature in individuals affected with NOTCH2-related conditions. This variant is not present in population databases (gnomAD no frequency). This sequence change replaces cysteine, which is neutral and slightly polar, with tyrosine, which is neutral and polar, at codon 547 of the NOTCH2 protein (p.Cys547Tyr).

NM_024408.4(NOTCH2):c.1640G>A (p.Cys547Tyr)

Gene: NOTCH2 (notch receptor 2; minus strand). Cytogenetic location: 1p12.
Variant type: single nucleotide variant.
Coding change: c.1640G>A on transcript NM_024408.4 (MANE Select); coding-DNA position 1640, G replaced by A.
Protein change: p.Cys547Tyr; replaces cysteine 547 with tyrosine.
Molecular consequence: missense variant.
Genome position (GRCh38, 1-based): chr1:119,965,494, C>T on the plus strand (G>A on the coding strand, the complement: NOTCH2 is on the minus strand). VCF-style: chr1-119965494-C-T. GRCh37 (hg19) VCF-style: chr1-120508117-C-T.
Other names: c.1640G>A, p.Cys547Tyr (NM_001200001.2); short protein forms C547Y.
Identifiers: ClinVar variation 2851023 (VCV002851023.3), dbSNP rs2526296370, ClinGen allele CA341875168.